The following is an entry in ClinVar:

NM_000642.3(AGL):c.3361A>G (p.Arg1121Gly)

Gene: AGL (amylo-alpha-1,6-glucosidase and 4-alpha-glucanotransferase; plus strand). Cytogenetic location: 1p21.2.
Variant type: single nucleotide variant.
Coding change: c.3361A>G on transcript NM_000642.3 (MANE Select); coding-DNA position 3361, A replaced by G.
Protein change: p.Arg1121Gly; replaces arginine 1121 with glycine.
Molecular consequence: missense variant.
Genome position (GRCh38, 1-based): chr1:99,896,387, A>G. VCF-style: chr1-99896387-A-G. GRCh37 (hg19) VCF-style: chr1-100361943-A-G.
Other names: c.3361A>G, p.Arg1121Gly (NM_000028.3, NM_000643.3, NM_000644.3 and 1 more transcripts); c.3313A>G, p.Arg1105Gly (NM_000646.3); c.3340A>G, p.Arg1114Gly (NM_001425326.1); c.3160A>G, p.Arg1054Gly (NM_001425327.1); c.3157A>G, p.Arg1053Gly (NM_001425328.1); c.3022A>G, p.Arg1008Gly (NM_001425329.1); c.2983A>G, p.Arg995Gly (NM_001425332.1); c.3361A>G (NM_000642.2); short protein forms R1121G, R1105G, R1008G, R1053G, R1054G, R1114G, R995G.
Identifiers: ClinVar variation 2164364 (VCV002164364.3), dbSNP rs2524758181, ClinGen allele CA341329018.
Genomic context (GRCh38, chr1:99,896,387, plus strand): 5'-AGGGATACTTTTATTGCACTTAGAGGTATACTGCTGATTACTGGACGCTATGTAGAAGCC[A>G]GGTAGGAGAGCCTCTAAAGTGTTGTACTGCGAGTTTATGTCTGAATGTCTTTTACATGCT-3'
Protein context (NP_000633.2, residues 1111-1131): LLITGRYVEA[Arg1121Gly]NIILAFAGTL

ClinVar aggregate classification (germline): Uncertain significance. Review status: criteria provided, single submitter (1 of 4 stars). 2 submissions from 2 submitters: Uncertain significance (1). 1 of the submissions does not count toward it. Last evaluated 2025-05-27.

Conditions:
Glycogen storage disease type III (GSD3). Also called: Cori disease; FORBES DISEASE. Identifiers: Orphanet 366, MedGen C0017922, MONDO:0009291, OMIM 232400.

Allele frequency attached by ClinVar (database versions not stated): gnomAD exomes below 0.00001.
gnomAD v4.1: 1 of 1,607,516 alleles (0.000062%); highest among the groups gnomAD compares: South Asian, 0.0011%; no homozygotes.

Submissions (2):

Labcorp Genetics (formerly Invitae), Labcorp
Classification: Uncertain significance for Glycogen storage disease type III. Last evaluated: 2025-05-27. Review status: criteria provided, single submitter. Criteria: Invitae Variant Classification Sherloc (09022015). Collection method: clinical testing. Allele origin: germline.
Comment: This sequence change replaces arginine, which is basic and polar, with glycine, which is neutral and non-polar, at codon 1121 of the AGL protein (p.Arg1121Gly). This variant is not present in population databases (gnomAD no frequency). This variant has not been reported in the literature in individuals affected with AGL-related conditions. ClinVar contains an entry for this variant (Variation ID: 2164364). An algorithm developed to predict the effect of missense changes on protein structure and function (PolyPhen-2) suggests that this variant is likely to be disruptive. Algorithms developed to predict the effect of sequence changes on RNA splicing suggest that this variant may disrupt the consensus splice site. In summary, the available evidence is currently insufficient to determine the role of this variant in disease. Therefore, it has been classified as a Variant of Uncertain Significance.

Natera, Inc.
Classification: Uncertain significance for Glycogen storage disease type III. Last evaluated: 2025-04-10. Review status: no assertion criteria provided. Collection method: clinical testing. Allele origin: germline. Not counted in ClinVar's aggregate classification.